The following is an entry in ClinVar:

NM_001283009.2(RTEL1):c.253G>T (p.Ala85Ser)

Genes: RTEL1 (regulator of telomere elongation helicase 1; plus strand), RTEL1-TNFRSF6B (RTEL1-TNFRSF6B readthrough (NMD candidate); plus strand). Cytogenetic location: 20q13.33.
Variant type: single nucleotide variant.
Coding change: c.253G>T on transcript NM_001283009.2 (MANE Select); coding-DNA position 253, G replaced by T.
Protein change: p.Ala85Ser; replaces alanine 85 with serine.
Molecular consequence: missense variant. On other transcripts: non-coding transcript variant (1), 5 prime UTR variant (1).
Genome position (GRCh38, 1-based): chr20:63,661,448, G>T. VCF-style: chr20-63661448-G-T. GRCh37 (hg19) VCF-style: chr20-62292801-G-T.
Other names: c.-417G>T (NM_001283010.1); c.253G>T, p.Ala85Ser (NM_016434.4, NM_032957.5); short protein forms A85S.
Identifiers: ClinVar variation 4157576 (VCV004157576.1).

ClinVar aggregate classification (germline): Uncertain significance (1 of 4 stars; one submission).

Conditions:
Inborn genetic diseases. Identifiers: MedGen C0950123, MeSH D030342.

Submission:

Ambry Genetics
Classification: Uncertain significance for Inborn genetic diseases. Last evaluated: 2025-06-27. Review status: criteria provided, single submitter. Criteria: Ambry Variant Classification Scheme 2023. Collection method: clinical testing. Allele origin: germline.
Comment: The p.A85S variant (also known as c.253G>T), located in coding exon 2 of the RTEL1 gene, results from a G to T substitution at nucleotide position 253. The alanine at codon 85 is replaced by serine, an amino acid with similar properties. This amino acid position is conserved. In addition, this alteration is predicted to be tolerated by in silico analysis. Based on the available evidence, the clinical significance of this variant remains unclear.